The following is an entry in ClinVar:

NM_002880.4(RAF1):c.1193+18G>C

Gene: RAF1 (Raf-1 proto-oncogene, serine/threonine kinase; minus strand). Cytogenetic location: 3p25.2.
Variant type: single nucleotide variant.
Coding change: c.1193+18G>C on transcript NM_002880.4 (MANE Select); 18 bases into the intron after coding-DNA position 1193, G replaced by C.
Molecular consequence: intron variant.
Genome position (GRCh38, 1-based): chr3:12,591,690, C>G on the plus strand (G>C on the coding strand, the complement: RAF1 is on the minus strand). VCF-style: chr3-12591690-C-G. GRCh37 (hg19) VCF-style: chr3-12633189-C-G.
Other names: c.851+18G>C (NM_001354695.3); c.950+18G>C (NM_001354692.3, NM_001354691.3); c.1010+18G>C (NM_001354694.3); c.1094+18G>C (NM_001354693.3); c.1253+18G>C (NM_001354689.3); c.1193+18G>C (NM_001354690.3).
Identifiers: ClinVar variation 974999 (VCV000974999.7), dbSNP rs201845942, ClinGen allele CA2259571.

ClinVar aggregate classification (germline): Benign/Likely benign. Review status: criteria provided, multiple submitters, no conflicts (2 of 4 stars). 3 submissions from 3 submitters: Benign (1); Likely benign (2). Last evaluated 2025-09-19.

Conditions:
RASopathy. Also called: rasopathies; Noonan spectrum disorder. Identifiers: Orphanet 536391, MedGen C5555857, MONDO:0021060.

Allele frequency attached by ClinVar (database versions not stated): gnomAD 0.00001; ExAC 0.00002; TOPMed 0.00002; 1000 Genomes Project 30x 0.00016; 1000 Genomes Project 0.00020.
gnomAD v4.1: 18 of 1,609,210 alleles (0.0011%); highest among the groups gnomAD compares: East Asian, 0.04%; no homozygotes.

Submissions (3):

Labcorp Genetics (formerly Invitae), Labcorp
Classification: Likely benign for RASopathy. Last evaluated: 2025-09-19. Review status: criteria provided, single submitter. Criteria: Invitae Variant Classification Sherloc (09022015). Collection method: clinical testing. Allele origin: germline.

Blueprint Genetics
Classification: Likely benign. Last evaluated: 2023-08-29. Review status: criteria provided, single submitter. Criteria: ACMG Guidelines, 2015. Collection method: clinical testing. Allele origin: germline.

Women's Health and Genetics/Laboratory Corporation of America, LabCorp
Classification: Benign. Last evaluated: 2020-07-06. Review status: criteria provided, single submitter. Criteria: LabCorp Variant Classification Summary - May 2015. Collection method: clinical testing. Allele origin: germline.
Comment: Variant summary: RAF1 c.1193+18G>C alters a non-conserved nucleotide located close to a canonical splice site and therefore could affect mRNA splicing, leading to a significantly altered protein sequence. 4/4 computational tools predict no significant impact on normal splicing. However, these predictions have yet to be confirmed by functional studies. The variant allele was found at a frequency of 5.6e-05 in 251250 control chromosomes, predominantly at a frequency of 0.00076 within the East Asian subpopulation in the gnomAD database. The observed variant frequency within East Asian control individuals in the gnomAD database is approximately 30-fold of the estimated maximal expected allele frequency for a pathogenic variant in RAF1 causing Noonan Syndrome And Related Conditions phenotype (2.5e-05), strongly suggesting that the variant is a benign polymorphism found primarily in populations of East Asian origin. To our knowledge, no occurrence of c.1193+18G>C in individuals affected with Noonan Syndrome And Related Conditions and no experimental evidence demonstrating its impact on protein function have been reported. No clinical diagnostic laboratories have submitted clinical-significance assessments for this variant to ClinVar after 2014. Based on the evidence outlined above, the variant was classified as benign.